The following is an entry in ClinVar:

ClinVar aggregate classification (germline): Pathogenic/Likely pathogenic. Review status: criteria provided, multiple submitters, no conflicts (2 of 4 stars). 2 submissions from 2 submitters: Pathogenic (1); Likely pathogenic (1). Last evaluated 2021-02-22.

Conditions:
Neurofibromatosis, type 1 (NF1). Also called: Neurofibromatosis, type I; VON RECKLINGHAUSEN DISEASE; NEUROFIBROMATOSIS, TYPE I, SOMATIC; Peripheral type neurofibromatosis. Identifiers: Orphanet 636, MedGen C0027831, MONDO:0018975, OMIM 162200. Disease mechanism: loss of function.
Neurofibromatosis, familial spinal (FSNF). Identifiers: Orphanet 636, MedGen C1834235, MONDO:0008078, OMIM 162210. Disease mechanism: loss of function.
Neurofibromatosis-Noonan syndrome (NFNS). Also called: NEUROFIBROMATOSIS WITH NOONAN PHENOTYPE. Identifiers: Orphanet 638, MedGen C2931482, MONDO:0011035, OMIM 601321. Disease mechanism: loss of function.
Café-au-lait macules with pulmonary stenosis (WTSN). Also called: PULMONIC STENOSIS WITH CAFE-AU-LAIT SPOTS. Identifiers: MedGen C0553586, MONDO:0008672, OMIM 193520.
Juvenile myelomonocytic leukemia (JMML). Also called: LEUKEMIA, JUVENILE MYELOMONOCYTIC, SOMATIC. Identifiers: Orphanet 86834, MedGen C0349639, MONDO:0011908, OMIM 607785, HP:0012209.

Submissions (2):

Labcorp Genetics (formerly Invitae), Labcorp
Classification: Pathogenic for Neurofibromatosis, type 1. Last evaluated: 2021-02-22. Review status: criteria provided, single submitter. Criteria: Invitae Variant Classification Sherloc (09022015). Collection method: clinical testing. Allele origin: germline.
Comment: For these reasons, this variant has been classified as Pathogenic. This variant disrupts the p.Gly1166 amino acid residue in NF1. Other variant(s) that disrupt this residue have been determined to be pathogenic (PMID: 24789688, Invitae). This suggests that this residue is clinically significant, and that variants that disrupt this residue are likely to be disease-causing. Nucleotide substitutions within the consensus splice site are a relatively common cause of aberrant splicing (PMID: 17576681, 9536098). Algorithms developed to predict the effect of sequence changes on RNA splicing suggest that this variant may disrupt the consensus splice site, but this prediction has not been confirmed by published transcriptional studies. Algorithms developed to predict the effect of missense changes on protein structure and function are either unavailable or do not agree on the potential impact of this missense change (SIFT: "Tolerated"; PolyPhen-2: "Probably Damaging"; Align-GVGD: "Class C0"). This variant has been observed in individual(s) with clinical features of neurofibromatosis-Noonan syndrome (Invitae). In at least one individual the variant was observed to be de novo. This variant is not present in population databases (ExAC no frequency). This sequence change replaces glycine with cysteine at codon 1166 of the NF1 protein (p.Gly1166Cys). The glycine residue is moderately conserved and there is a large physicochemical difference between glycine and cysteine. This variant also falls at the last nucleotide of exon 26 of the NF1 coding sequence, which is part of the consensus splice site for this exon.

Juno Genomics, Hangzhou Juno Genomics, Inc
Classification: Likely pathogenic for Café-au-lait macules with pulmonary stenosis; Neurofibromatosis, type 1; Juvenile myelomonocytic leukemia; Neurofibromatosis, familial spinal; Neurofibromatosis-Noonan syndrome. Review status: criteria provided, single submitter. Criteria: ACMG Guidelines, 2015. Collection method: clinical testing. Allele origin: germline. Affected: yes.
Comment: Absent from controls (or at extremely low frequency if recessive) in Genome Aggregation Database.;Multiple lines of computational evidence support a deleterious effect on the gene or gene product.;Missense variant in a gene that has a low rate of benign missense variation.;Patient's phenotype or family history is highly specific for a disease with a single genetic etiology.;De novo (both maternity and paternity confirmed) in a patient with the disease and no family history.

Literature cited by the submitters: PubMed 24789688 (cited by Labcorp Genetics (formerly Invitae), Labcorp); PubMed 17576681 (cited by Labcorp Genetics (formerly Invitae), Labcorp); PubMed 9536098 (cited by Labcorp Genetics (formerly Invitae), Labcorp).

NM_001042492.3(NF1):c.3496G>T (p.Gly1166Cys)

Gene: NF1 (neurofibromin 1; plus strand). Cytogenetic location: 17q11.2.
Variant type: single nucleotide variant.
Coding change: c.3496G>T on transcript NM_001042492.3 (MANE Select); coding-DNA position 3496, G replaced by T.
Protein change: p.Gly1166Cys; replaces glycine 1166 with cysteine.
Molecular consequence: missense variant.
Genome position (GRCh38, 1-based): chr17:31,232,881, G>T. VCF-style: chr17-31232881-G-T. GRCh37 (hg19) VCF-style: chr17-29559899-G-T.
Other names: c.3496G>T, p.Gly1166Cys (NM_000267.4); short protein forms G1166C.
Identifiers: ClinVar variation 1042357 (VCV001042357.6), dbSNP rs1597719704, ClinGen allele CA398989539.